The following is an entry in ClinVar:

NM_006618.5(KDM5B):c.4046T>G (p.Leu1349Arg)

Gene: KDM5B (lysine demethylase 5B; minus strand). Cytogenetic location: 1q32.1.
Variant type: single nucleotide variant.
Coding change: c.4046T>G on transcript NM_006618.5 (MANE Select); coding-DNA position 4046, T replaced by G.
Protein change: p.Leu1349Arg; replaces leucine 1349 with arginine.
Molecular consequence: missense variant.
Genome position (GRCh38, 1-based): chr1:202,731,039, A>C on the plus strand (T>G on the coding strand, the complement: KDM5B is on the minus strand). VCF-style: chr1-202731039-A-C. GRCh37 (hg19) VCF-style: chr1-202700167-A-C.
Other names: c.4154T>G, p.Leu1385Arg (NM_001314042.2); c.3911T>G, p.Leu1304Arg (NM_001347591.2); c.4031T>G, p.Leu1344Arg (NM_001399817.1); short protein forms L1304R, L1344R, L1349R, L1385R.
Identifiers: ClinVar variation 5021073 (VCV005021073.1).

ClinVar aggregate classification (germline): Uncertain significance (1 of 4 stars; one submission).

Submission:

Dasa
Classification: Uncertain significance. Last evaluated: 2024-10-01. Review status: criteria provided, single submitter. Criteria: DASA Assertion Criteria. Collection method: clinical testing. Allele origin: germline.
Comment: NM_006618.5(KDM5B):c.4046T>G (p.Leu1349Arg) is a missense variant that results in the substitution of leucine with arginine. This variant is absent from population databases. Computational prediction algorithms are consistent with a deleterious effect. The currently available literature and clinical evidence are not sufficient to establish a definitive association between this variant and the reported condition. Therefore, this variant is classified as a variant of uncertain significance.